The following is an entry in ClinVar:

NM_001009944.3(PKD1):c.8949-2A>C

Gene: PKD1 (polycystin 1, transient receptor potential channel interacting; minus strand). Cytogenetic location: 16p13.3.
Variant type: single nucleotide variant.
Coding change: c.8949-2A>C on transcript NM_001009944.3 (MANE Select); the canonical splice acceptor site of the intron before coding-DNA position 8949, A replaced by C.
Molecular consequence: splice acceptor variant.
Genome position (GRCh38, 1-based): chr16:2,102,635, T>G on the plus strand (A>C on the coding strand, the complement: PKD1 is on the minus strand). VCF-style: chr16-2102635-T-G. GRCh37 (hg19) VCF-style: chr16-2152636-T-G.
Other names: c.8949-2A>C (NM_000296.4).
Identifiers: ClinVar variation 3731435 (VCV003731435.1).
Genomic context (GRCh38, chr16:2,102,635, plus strand): 5'-CCGACCAGCGGAAGTGGCTGGAGAGGTTCAGATGGTAACTCCCCGCTGGGTCTCTGCTCC[T>G]GGGCAGGGAAGGGGTAGCGGACGTGAGCCCAGGCTCCGCCAGGTTGGATGTCGCAGTCTC-3'

ClinVar aggregate classification (germline): Likely pathogenic (1 of 4 stars; one submission).

Conditions:
Polycystic kidney disease, adult type (PKD1). Also called: Polycystic Kidney, Autosomal Dominant; POLYCYSTIC KIDNEY DISEASE 1 WITH OR WITHOUT POLYCYSTIC LIVER DISEASE; Polycystic Kidney Disease 1, Autosomal Dominant; Polycystic kidney disease 1; Polycystic kidney disease 1, severe; POLYCYSTIC KIDNEY DISEASE, ADULT, TYPE I. Identifiers: MedGen C3149841, MONDO:0008263, OMIM 173900.

gnomAD v4.1: 7 of 1,610,952 alleles (0.00043%); highest among the groups gnomAD compares: South Asian, 0.0077%; no homozygotes.

Submission:

Neuberg Centre For Genomic Medicine, NCGM
Classification: Likely pathogenic for Polycystic kidney disease, adult type. Review status: criteria provided, single submitter. Criteria: ACMG Guidelines, 2015. Collection method: clinical testing. Allele origin: germline. Inheritance: Autosomal dominant inheritance. Affected: yes.
Comment: The invariant splice acceptor c.8949-2A>C variant in PKD1 gene has not been reported previously as a pathogenic variant nor as a benign variant, to our knowledge. The c.8949-2A>C variant is present with allele frequency of 0.0008% in gnomAD Exomes. This variant has not been submitted to the ClinVar database. The SpliceAI predicts a score of 0.99 for this variant. Loss of function variants have been previously reported to be disease causing. For these reasons, this variant has been classified as Likely Pathogenic.